The following is an entry in ClinVar:

ClinVar aggregate classification (germline): Uncertain significance (1 of 4 stars; one submission).

Conditions:
Autosomal dominant polycystic kidney disease. Identifiers: Orphanet 730, MedGen C0085413, MONDO:0004691.

Submission:

Labcorp Genetics (formerly Invitae), Labcorp
Classification: Uncertain significance for Autosomal dominant polycystic kidney disease. Last evaluated: 2024-05-02. Review status: criteria provided, single submitter. Criteria: Invitae Variant Classification Sherloc (09022015). Collection method: clinical testing. Allele origin: germline.
Comment: This sequence change replaces aspartic acid, which is acidic and polar, with glutamic acid, which is acidic and polar, at codon 763 of the PKD2 protein (p.Asp763Glu). This variant is not present in population databases (gnomAD no frequency). This variant has not been reported in the literature in individuals affected with PKD2-related conditions. Advanced modeling of protein sequence and biophysical properties (such as structural, functional, and spatial information, amino acid conservation, physicochemical variation, residue mobility, and thermodynamic stability) performed at Invitae indicates that this missense variant is expected to disrupt PKD2 protein function with a positive predictive value of 80%. In summary, the available evidence is currently insufficient to determine the role of this variant in disease. Therefore, it has been classified as a Variant of Uncertain Significance.

NM_000297.4(PKD2):c.2289C>A (p.Asp763Glu)

Gene: PKD2 (polycystin 2, transient receptor potential cation channel; plus strand). Cytogenetic location: 4q22.1.
Variant type: single nucleotide variant.
Coding change: c.2289C>A on transcript NM_000297.4 (MANE Select); coding-DNA position 2289, C replaced by A.
Protein change: p.Asp763Glu; replaces aspartic acid 763 with glutamic acid.
Molecular consequence: missense variant. On other transcripts: non-coding transcript variant (1).
Genome position (GRCh38, 1-based): chr4:88,065,810, C>A. VCF-style: chr4-88065810-C-A. GRCh37 (hg19) VCF-style: chr4-88986962-C-A.
Other names: short protein forms D763E.
Identifiers: ClinVar variation 3678106 (VCV003678106.2).